The following is an entry in ClinVar:

ClinVar aggregate classification (germline): Uncertain significance. Review status: criteria provided, multiple submitters, no conflicts (2 of 4 stars). 2 submissions from 2 submitters: Uncertain significance (2). Last evaluated 2025-03-03.

Allele frequency attached by ClinVar (database versions not stated): ExAC 0.00001; gnomAD 0.00003; TOPMed 0.00004; gnomAD exomes 0.00005.
gnomAD v4.1: 75 of 1,612,414 alleles (0.0047%); highest among the groups gnomAD compares: Non-Finnish European, 0.0062%; no homozygotes.

Submissions (2):

Labcorp Genetics (formerly Invitae), Labcorp
Classification: Uncertain significance. Last evaluated: 2025-03-03. Review status: criteria provided, single submitter. Criteria: Invitae Variant Classification Sherloc (09022015). Collection method: clinical testing. Allele origin: germline.
Comment: This sequence change replaces tryptophan, which is neutral and slightly polar, with leucine, which is neutral and non-polar, at codon 739 of the A2ML1 protein (p.Trp739Leu). This variant is present in population databases (rs759542049, gnomAD 0.003%). This variant has not been reported in the literature in individuals affected with A2ML1-related conditions. ClinVar contains an entry for this variant (Variation ID: 1787846). An algorithm developed to predict the effect of missense changes on protein structure and function (PolyPhen-2) suggests that this variant is likely to be disruptive. In summary, the available evidence is currently insufficient to determine the role of this variant in disease. Therefore, it has been classified as a Variant of Uncertain Significance.

Ambry Genetics
Classification: Uncertain significance. Last evaluated: 2024-01-23. Review status: criteria provided, single submitter. Criteria: Ambry Variant Classification Scheme 2023. Collection method: clinical testing. Allele origin: germline.
Comment: The p.W739L variant (also known as c.2216G>T), located in coding exon 18 of the A2ML1 gene, results from a G to T substitution at nucleotide position 2216. The tryptophan at codon 739 is replaced by leucine, an amino acid with similar properties. This amino acid position is conserved. In addition, the in silico prediction for this alteration is inconclusive. Since supporting evidence is limited at this time, the clinical significance of this alteration remains unclear.

NM_144670.6(A2ML1):c.2216G>T (p.Trp739Leu)

Gene: A2ML1 (alpha-2-macroglobulin like 1; plus strand). Cytogenetic location: 12p13.31.
Variant type: single nucleotide variant.
Coding change: c.2216G>T on transcript NM_144670.6 (MANE Select); coding-DNA position 2216, G replaced by T.
Protein change: p.Trp739Leu; replaces tryptophan 739 with leucine.
Molecular consequence: missense variant.
Genome position (GRCh38, 1-based): chr12:8,850,256, G>T. VCF-style: chr12-8850256-G-T. GRCh37 (hg19) VCF-style: chr12-9002852-G-T.
Other names: c.743G>T, p.Trp248Leu (NM_001282424.3); short protein forms W739L, W248L.
Identifiers: ClinVar variation 1787846 (VCV001787846.7), dbSNP rs759542049, ClinGen allele CA6435937.